The following is an entry in ClinVar:

NM_001371986.1(UNC80):c.8641T>C (p.Trp2881Arg)

Gene: UNC80 (unc-80 subunit of NALCN channel complex; plus strand). Cytogenetic location: 2q34.
Variant type: single nucleotide variant.
Coding change: c.8641T>C on transcript NM_001371986.1 (MANE Select); coding-DNA position 8641, T replaced by C.
Protein change: p.Trp2881Arg; replaces tryptophan 2881 with arginine.
Molecular consequence: missense variant.
Genome position (GRCh38, 1-based): chr2:209,976,172, T>C. VCF-style: chr2-209976172-T-C. GRCh37 (hg19) VCF-style: chr2-210840896-T-C.
Other names: c.8443T>C (NM_032504.1); c.8443T>C, p.Trp2815Arg (NM_032504.2); c.8428T>C, p.Trp2810Arg (NM_182587.4); short protein forms W2815R, W2810R, W2881R.
Identifiers: ClinVar variation 2163987 (VCV002163987.5), dbSNP rs2471235092, ClinGen allele CA350413695.
Genomic context (GRCh38, chr2:209,976,172, plus strand): 5'-TGTGAAGCGCTGAAGGTGATTCTCGTCTGCTTTGAGAGGCAGCTCGGAAGCCAGTGGTAC[T>C]GGCTGAGCCTCCAGGTGAAGGAGATGGCTCTGCGGAAGGTGGGAGGCCTGGCCCTTTGGG-3'
Protein context (NP_001358915.1, residues 2871-2891): FERQLGSQWY[Trp2881Arg]LSLQVKEMAL

ClinVar aggregate classification (germline): Uncertain significance. Review status: criteria provided, multiple submitters, no conflicts (2 of 4 stars). 2 submissions from 2 submitters: Uncertain significance (2). Last evaluated 2024-10-16.

Conditions:
Inborn genetic diseases. Identifiers: MedGen C0950123, MeSH D030342.

Submissions (2):

Ambry Genetics
Classification: Uncertain significance for Inborn genetic diseases. Last evaluated: 2024-10-16. Review status: criteria provided, single submitter. Criteria: Ambry Variant Classification Scheme 2023. Collection method: clinical testing. Allele origin: germline.

Labcorp Genetics (formerly Invitae), Labcorp
Classification: Uncertain significance. Last evaluated: 2022-06-13. Review status: criteria provided, single submitter. Criteria: Invitae Variant Classification Sherloc (09022015). Collection method: clinical testing. Allele origin: germline.
Comment: This variant has not been reported in the literature in individuals affected with UNC80-related conditions. This variant is not present in population databases (gnomAD no frequency). This sequence change replaces tryptophan, which is neutral and slightly polar, with arginine, which is basic and polar, at codon 2815 of the UNC80 protein (p.Trp2815Arg). Algorithms developed to predict the effect of missense changes on protein structure and function are either unavailable or do not agree on the potential impact of this missense change (SIFT: "Not Available"; PolyPhen-2: "Benign"; Align-GVGD: "Not Available"). In summary, the available evidence is currently insufficient to determine the role of this variant in disease. Therefore, it has been classified as a Variant of Uncertain Significance.